The following is an entry in ClinVar:

NM_006231.4(POLE):c.834G>A (p.Thr278=)

Gene: POLE (DNA polymerase epsilon, catalytic subunit; minus strand). Cytogenetic location: 12q24.33.
Variant type: single nucleotide variant.
Coding change: c.834G>A on transcript NM_006231.4 (MANE Select); coding-DNA position 834, G replaced by A.
Protein change: p.Thr278=; no amino-acid change (threonine 278 retained).
Molecular consequence: synonymous variant.
Genome position (GRCh38, 1-based): chr12:132,676,621, C>T on the plus strand (G>A on the coding strand, the complement: POLE is on the minus strand). VCF-style: chr12-132676621-C-T. GRCh37 (hg19) VCF-style: chr12-133253207-C-T.
Identifiers: ClinVar variation 382827 (VCV000382827.19), dbSNP rs758368160, ClinGen allele CA6894162.

ClinVar aggregate classification (germline): Benign/Likely benign. Review status: criteria provided, multiple submitters, no conflicts (2 of 4 stars). 7 submissions from 7 submitters: Benign (1); Likely benign (6). Last evaluated 2026-08-26.

Conditions:
POLE-related disorder. Also called: POLE-related disorders; POLE-related condition.
Hereditary cancer-predisposing syndrome. Also called: Neoplastic Syndromes, Hereditary; Tumor predisposition; Hereditary Cancer Syndrome; Hereditary neoplastic syndrome. Identifiers: Orphanet 140162, MedGen C0027672, MeSH D009386, MONDO:0015356.
Colorectal cancer, susceptibility to, 12 (CRCS12). Also called: COLORECTAL CANCER, SUSCEPTIBILITY TO, ON CHROMOSOME 12q24. Identifiers: Orphanet 220460, MedGen C3554460, MONDO:0014038, OMIM 615083.

Allele frequency attached by ClinVar (database versions not stated): gnomAD 0.00004 and 0.00003; TOPMed 0.00001; gnomAD exomes 0.00002; ExAC 0.00003.
gnomAD v4.1: 34 of 1,613,496 alleles (0.0021%); highest among the groups gnomAD compares: Non-Finnish European, 0.0027%; no homozygotes.

Submissions (7):

PreventionGenetics, part of Exact Sciences
Classification: Likely benign for POLE-related condition. Last evaluated: 2026-08-26. Review status: criteria provided, single submitter. Criteria: ACMG Guidelines, 2015. Collection method: clinical testing. Allele origin: germline.
Comment: This variant is classified as likely benign based on ACMG/AMP sequence variant interpretation guidelines (Richards et al. 2015 PMID: 25741868, with internal and published modifications).

Labcorp Genetics (formerly Invitae), Labcorp
Classification: Likely benign. Last evaluated: 2025-11-13. Review status: criteria provided, single submitter. Criteria: Invitae Variant Classification Sherloc (09022015). Collection method: clinical testing. Allele origin: germline.

Center for Genomic Medicine, Rigshospitalet, Copenhagen University Hospital
Classification: Likely benign. Last evaluated: 2025-03-04. Review status: criteria provided, single submitter. Criteria: ACMG Guidelines, 2015. Collection method: clinical testing. Allele origin: germline.

Myriad Genetics, Inc.
Classification: Benign for Colorectal cancer, susceptibility to, 12. Last evaluated: 2025-02-07. Review status: criteria provided, single submitter. Criteria: Myriad Autosomal Dominant, Autosomal Recessive and X-Linked Classification Criteria (2023). Collection method: clinical testing. Allele origin: unknown.
Comment: This variant is considered benign. This variant is a silent/synonymous amino acid change and it is not expected to impact splicing.

Women's Health and Genetics/Laboratory Corporation of America, LabCorp
Classification: Likely benign. Last evaluated: 2023-06-17. Review status: criteria provided, single submitter. Criteria: LabCorp Variant Classification Summary - May 2015. Collection method: clinical testing. Allele origin: germline.

Ambry Genetics
Classification: Likely benign for Hereditary cancer-predisposing syndrome. Last evaluated: 2017-04-21. Review status: criteria provided, single submitter. Criteria: Ambry Variant Classification Scheme 2023. Collection method: clinical testing. Allele origin: germline.

GeneDx
Classification: Likely benign. Last evaluated: 2016-12-06. Review status: criteria provided, single submitter. Criteria: GeneDx Variant Classification (06012015). Collection method: clinical testing. Allele origin: germline. Affected: yes.
Comment: This variant is considered likely benign or benign based on one or more of the following criteria: it is a conservative change, it occurs at a poorly conserved position in the protein, it is predicted to be benign by multiple in silico algorithms, and/or has population frequency not consistent with disease.